The following is an entry in ClinVar:

NM_002382.5(MAX):c.168G>T (p.Glu56Asp)

Genes: MAX (MYC associated transcriptional regulator X; minus strand), MAX-AS1 (MAX antisense RNA 1; plus strand). Cytogenetic location: 14q23.3.
Variant type: single nucleotide variant.
Coding change: c.168G>T on transcript NM_002382.5 (MANE Select); coding-DNA position 168, G replaced by T.
Protein change: p.Glu56Asp; replaces glutamic acid 56 with aspartic acid.
Molecular consequence: missense variant. On other transcripts: 5 prime UTR variant (6), non-coding transcript variant (12), intron variant (1).
Genome position (GRCh38, 1-based): chr14:65,093,711, C>A on the plus strand (G>T on the coding strand, the complement: MAX is on the minus strand). VCF-style: chr14-65093711-C-A. GRCh37 (hg19) VCF-style: chr14-65560429-C-A.
Other names: c.-107G>T (NM_001407105.1, NM_001407106.1, NM_001407107.1 and 1 more transcripts); c.141G>T, p.Glu47Asp (NM_001407108.1, NM_001407109.1, NM_001407110.1 and 9 more transcripts); c.-200G>T (NM_001407111.1, NM_001407112.1); c.191G>T, p.Arg64Ile (NM_001407114.1); c.63+7835G>T (NM_001407098.1); c.168G>T, p.Glu56Asp (NM_001407094.1, NM_001407096.1, NM_001407097.1 and 5 more transcripts); short protein forms E47D, R64I, E56D.
Identifiers: ClinVar variation 5023921 (VCV005023921.1).

ClinVar aggregate classification (germline): Uncertain significance (1 of 4 stars; one submission).

Conditions:
Hereditary cancer-predisposing syndrome. Also called: Neoplastic Syndromes, Hereditary; Tumor predisposition; Hereditary neoplastic syndrome; Hereditary Cancer Syndrome. Identifiers: Orphanet 140162, MedGen C0027672, MeSH D009386, MONDO:0015356.

Submission:

Ambry Genetics
Classification: Uncertain significance for Hereditary cancer-predisposing syndrome. Last evaluated: 2026-07-06. Review status: criteria provided, single submitter. Criteria: Ambry Variant Classification Scheme 2023. Collection method: clinical testing. Allele origin: germline.
Comment: The p.E56D variant (also known as c.168G>T), located in coding exon 3 of the MAX gene, results from a G to T substitution at nucleotide position 168. The glutamic acid at codon 56 is replaced by aspartic acid, an amino acid with highly similar properties. This amino acid position is conserved. In addition, the in silico prediction for this alteration is inconclusive. Based on the available evidence, the clinical significance of this variant remains unclear.